The following is an entry in ClinVar:

ClinVar aggregate classification (germline): Uncertain significance (1 of 4 stars; one submission).

gnomAD v4.1: 15 of 1,608,122 alleles (0.00093%); highest among the groups gnomAD compares: Middle Eastern, 0.017%; 1 homozygote.

Submission:

Women's Health and Genetics/Laboratory Corporation of America, LabCorp
Classification: Uncertain significance. Last evaluated: 2023-02-14. Review status: criteria provided, single submitter. Criteria: LabCorp Variant Classification Summary - May 2015. Collection method: clinical testing. Allele origin: germline.
Comment: Variant summary: SETD2 c.7073C>A (p.Pro2358Gln) results in a non-conservative amino acid change in the encoded protein sequence. Four of five in-silico tools predict a damaging effect of the variant on protein function. The variant allele was found at a frequency of 4e-06 in 249188 control chromosomes (gnomAD). The available data on variant occurrences in the general population are insufficient to allow any conclusion about variant significance. To our knowledge, no occurrence of c.7073C>A in individuals affected with Luscan-Lumish Syndrome and no experimental evidence demonstrating its impact on protein function have been reported. No clinical diagnostic laboratories have submitted clinical-significance assessments for this variant to ClinVar after 2014. Based on the evidence outlined above, the variant was classified as uncertain significance.

NM_014159.7(SETD2):c.7073C>A (p.Pro2358Gln)

Gene: SETD2 (SET domain containing 2, histone lysine methyltransferase; minus strand). Cytogenetic location: 3p21.31.
Variant type: single nucleotide variant.
Coding change: c.7073C>A on transcript NM_014159.7 (MANE Select); coding-DNA position 7073, C replaced by A.
Protein change: p.Pro2358Gln; replaces proline 2358 with glutamine.
Molecular consequence: missense variant. On other transcripts: non-coding transcript variant (1).
Genome position (GRCh38, 1-based): chr3:47,046,512, G>T on the plus strand (C>A on the coding strand, the complement: SETD2 is on the minus strand). VCF-style: chr3-47046512-G-T. GRCh37 (hg19) VCF-style: chr3-47088002-G-T.
Other names: c.6941C>A, p.Pro2314Gln (NM_001349370.3); short protein forms P2314Q, P2358Q.
Identifiers: ClinVar variation 2445841 (VCV002445841.1), dbSNP rs775632004, ClinGen allele CA73789461.